The following is an entry in ClinVar:

ClinVar aggregate classification (germline): Uncertain significance (1 of 4 stars; one submission).

Conditions:
SHOX-related short stature. Also called: SHORT STATURE, IDIOPATHIC, X-LINKED. Identifiers: Orphanet 314795, MedGen C1845118, MONDO:0010367, OMIM 300582. Disease mechanism: loss of function.

Allele frequency attached by ClinVar (database versions not stated): gnomAD exomes below 0.00001.

Submission:

MGZ Medical Genetics Center
Classification: Uncertain significance for SHOX-related short stature. Last evaluated: 2022-04-20. Review status: criteria provided, single submitter. Criteria: ACMG Guidelines, 2015. Collection method: clinical testing. Allele origin: germline. Affected: yes. Observed: 1 variant allele.
Comment: ACMG criteria applied: PVS1_MOD, PM2_SUP

NM_000451.4(SHOX):c.277+2dup

Gene: SHOX (SHOX homeobox; plus strand). Cytogenetic location: Xp22.33.
Variant type: Duplication.
Coding change: c.277+2dup on transcript NM_000451.4 (MANE Select); the canonical splice donor site of the intron after coding-DNA position 277, one base duplicated (T; older notation c.277+2dupT).
Molecular consequence: splice donor variant.
Genome position (GRCh38, 1-based): chrX:631,176, T duplicated. VCF-style (leftmost placement, unchanged base first): chrX-631175-G-GT. GRCh37 (hg19) VCF-style: chrX-591910-G-GT.
Other names: c.277+2dup (NM_006883.2).
Identifiers: ClinVar variation 1709316 (VCV001709316.2), dbSNP rs2522085015, ClinGen allele CA2580615348.